The following is an entry in ClinVar:

ClinVar aggregate classification (germline): Conflicting classifications of pathogenicity. Review status: criteria provided, conflicting classifications (1 of 4 stars). 3 submissions from 3 submitters: Likely pathogenic (1); Uncertain significance (1). 1 of the submissions does not count toward it. Last evaluated 2025-02-11.
ClinVar aggregate classification (somatic clinical impact): Tier I - Strong. Review status: criteria provided, single submitter (1 of 4 stars). 2 submissions from 1 submitter. Last evaluated 2024-10-07.

Conditions:
Hartsfield-Bixler-Demyer syndrome (HRTFDS). Also called: Holoprosencephaly, ectrodactyly, and bilateral cleft lip/palate; FGFR1-Related Hartsfield Syndrome; Hartsfield syndrome. Identifiers: Orphanet 2117, MedGen C1845146, MONDO:0014196, OMIM 615465. Disease mechanism: loss of function.
Inborn genetic diseases. Identifiers: MedGen C0950123, MeSH D030342.
Diffuse midline glioma, H3 K27M-mutant. Identifiers: MedGen C4289688, MONDO:0957196.
Rosette-forming glioneuronal tumor. Identifiers: Orphanet 251975, MedGen C4331262, MONDO:0016736, HP:0025171.

Submissions (5):

Ambry Genetics
Classification: Uncertain significance for Inborn genetic diseases. Last evaluated: 2025-02-11. Review status: criteria provided, single submitter. Criteria: Ambry Variant Classification Scheme 2023. Collection method: clinical testing. Allele origin: germline.

Institute for Genomic Medicine (IGM) Clinical Laboratory, Nationwide Children's Hospital
Classification: Likely pathogenic. Last evaluated: 2024-11-05. Review status: criteria provided, single submitter. Criteria: ACMG Guidelines, 2015. Collection method: clinical testing. Allele origin: germline.
Comment: Well-established functional studies have demonstrated this variant to have a damaging effect on protein function or splicing (ACMG/AMP: PS3; PMIDs:25686244, 15157880, 26097890, 30257990). This variant is located in a mutational hot spot and/or critical and well-established functional domain (ACMG/AMP: PM1; PMIDs:34272467, 37130917). This variant is absent from or present at an exceedingly low frequency in gnomAD, a large-scale control population database (ACMG/AMP: PM2). This variant is predicted to alter protein function or structure, or disrupt splicing by multiple in silico tools (ACMG/AMP: PP3).

Institute for Genomic Medicine (IGM) Clinical Laboratory, Nationwide Children's Hospital
Classification: Tier I - Strong for Rosette-forming glioneuronal tumor. Assertion type: diagnostic. Clinical significance: supports diagnosis. Last evaluated: 2024-10-07. Review status: criteria provided, single submitter. Criteria: AMP/ASCO/CAP Guidelines, 2017. Collection method: clinical testing. Allele origin: somatic. Affected: yes.
Comment: Variant has Tier I (strong) clinical significance as a diagnostic inclusion criterion in rosette-forming glioneuronal tumor of fourth ventricule, based on the following evidence: 1) Documented in one or more cancer databases (e.g., St. Jude Pecan, COSMIC, CIViC, OncoKB). 2) Appears in one or more well-established professional guidelines (e.g., World Health Organization [WHO]; National Comprehensive Cancer Network [NCCN]) as providing diagnostic, prognostic, or therapeutic information. 3) Information in the literature supports potential biologic effect of variant (PMIDs: 25686244, 15157880). 4) Diagnostic for a specific tumor type/classification according to professional guidelines (Evidence Level A; PMIDs: 31250151, 32859279, 35293634, 24806303, 27893178, 27626068, 28912153).

Institute for Genomic Medicine (IGM) Clinical Laboratory, Nationwide Children's Hospital
Classification: Tier I - Strong for Diffuse midline glioma, H3 K27M-mutant. Assertion type: diagnostic. Clinical significance: supports diagnosis. Last evaluated: 2024-03-06. Review status: criteria provided, single submitter. Criteria: AMP/ASCO/CAP Guidelines, 2017. Collection method: clinical testing. Allele origin: somatic. Affected: yes.
Comment: Variant has Tier I (strong) clinical significance as a diagnostic inclusion criterion in diffuse midline glioma, H3 K27M-mutant, based on the following evidence: 1) Documented in one or more cancer databases (e.g., St. Jude Pecan, COSMIC, CIViC, OncoKB). 2) Appears in one or more well-established professional guidelines (e.g., World Health Organization [WHO]; National Comprehensive Cancer Network [NCCN]) as providing diagnostic, prognostic, or therapeutic information. 3) Information in the literature supports potential biologic effect of variant (PMIDs: 25686244, 15157880). 4) Diagnostic for a specific tumor type/classification based on well-powered studies with expert-level consensus (Evidence Level B; PMIDs: 28966033, 31348837, 24880341, 28912153, 25230881).

Hunter Genetics General Clinical Genetics Service, Hunter Genetics
Classification: Likely pathogenic for Hartsfield-Bixler-Demyer syndrome. Last evaluated: 2025-05-07. Review status: no assertion criteria provided. Collection method: clinical testing. Allele origin: germline. Inheritance: Autosomal dominant inheritance. Affected: yes. Observed: 1 heterozygote. Not counted in ClinVar's aggregate classification.
Comment: ACMG/AMP Criteria Assessment 1. PS2 (Strong) – De novo (both maternity and paternity confirmed). 2. PM2 (Moderate) – Absent from population databases. The variant is absent or extremely rare in gnomAD, ExAC, 1000 Genomes, etc. 3. PP3 (Supporting) – Multiple lines of computational evidence support a deleterious effect on the gene or gene product. REVEL- 0.775, AlphaMissense 0.9124. 4. PM1 (Moderate) – Located in a mutational hot spot and/or critical domain (e.g., kinase domain). Val561 is within the FGFR1 tyrosine kinase domain. → Likely Pathogenic (1 Strong + 2 Moderate + 1 Supporting meets the threshold per ACMG guidelines)

Literature cited by the submitters: PubMed 25686244 (cited by Ambry Genetics and Institute for Genomic Medicine (IGM) Clinical Laboratory, Nationwide Children's Hospital); PubMed 25760602 (cited by Ambry Genetics); PubMed 26097890 (cited by Ambry Genetics and Institute for Genomic Medicine (IGM) Clinical Laboratory, Nationwide Children's Hospital); PubMed 27558949 (cited by Ambry Genetics); PubMed 28255231 (cited by Ambry Genetics); PubMed 30257990 (cited by Ambry Genetics and Institute for Genomic Medicine (IGM) Clinical Laboratory, Nationwide Children's Hospital); PubMed 36697561 (cited by Ambry Genetics); PubMed 38172256 (cited by Ambry Genetics); PubMed 15157880 (cited by Institute for Genomic Medicine (IGM) Clinical Laboratory, Nationwide Children's Hospital); PubMed 34272467 (cited by Institute for Genomic Medicine (IGM) Clinical Laboratory, Nationwide Children's Hospital); PubMed 37130917 (cited by Institute for Genomic Medicine (IGM) Clinical Laboratory, Nationwide Children's Hospital); PubMed 31250151 (cited by Institute for Genomic Medicine (IGM) Clinical Laboratory, Nationwide Children's Hospital); PubMed 32859279 (cited by Institute for Genomic Medicine (IGM) Clinical Laboratory, Nationwide Children's Hospital); PubMed 35293634 (cited by Institute for Genomic Medicine (IGM) Clinical Laboratory, Nationwide Children's Hospital); PubMed 24806303 (cited by Institute for Genomic Medicine (IGM) Clinical Laboratory, Nationwide Children's Hospital); PubMed 27893178 (cited by Institute for Genomic Medicine (IGM) Clinical Laboratory, Nationwide Children's Hospital); PubMed 27626068 (cited by Institute for Genomic Medicine (IGM) Clinical Laboratory, Nationwide Children's Hospital); PubMed 28912153 (cited by Institute for Genomic Medicine (IGM) Clinical Laboratory, Nationwide Children's Hospital); PubMed 28966033 (cited by Institute for Genomic Medicine (IGM) Clinical Laboratory, Nationwide Children's Hospital); PubMed 31348837 (cited by Institute for Genomic Medicine (IGM) Clinical Laboratory, Nationwide Children's Hospital); PubMed 24880341 (cited by Institute for Genomic Medicine (IGM) Clinical Laboratory, Nationwide Children's Hospital); PubMed 25230881 (cited by Institute for Genomic Medicine (IGM) Clinical Laboratory, Nationwide Children's Hospital).

NM_023110.3(FGFR1):c.1681G>A (p.Val561Met)

Gene: FGFR1 (fibroblast growth factor receptor 1; minus strand). Cytogenetic location: 8p11.23.
Variant type: single nucleotide variant.
Coding change: c.1681G>A on transcript NM_023110.3 (MANE Select); coding-DNA position 1681, G replaced by A.
Protein change: p.Val561Met; replaces valine 561 with methionine.
Molecular consequence: missense variant.
Genome position (GRCh38, 1-based): chr8:38,416,043, C>T on the plus strand (G>A on the coding strand, the complement: FGFR1 is on the minus strand). VCF-style: chr8-38416043-C-T. GRCh37 (hg19) VCF-style: chr8-38273561-C-T.
Other names: c.1675G>A, p.Val559Met (NM_001174063.2, NM_001174065.2, NM_001354367.2 and 1 more transcripts); c.1651G>A, p.Val551Met (NM_001174064.2); c.1414G>A, p.Val472Met (NM_001174066.2, NM_023105.3); c.1774G>A, p.Val592Met (NM_001174067.2); c.1402G>A, p.Val468Met (NM_001354368.2); c.1669G>A, p.Val557Met (NM_001354369.2, NM_001410922.1); c.1408G>A, p.Val470Met (NM_001354370.2, NM_023106.3); short protein forms V470M, V472M, V557M, V592M, V561M, V468M, V551M, V559M.
Identifiers: ClinVar variation 3850164 (VCV003850164.4).